The following is an entry in ClinVar:

ClinVar aggregate classification (germline): Conflicting classifications of pathogenicity. Review status: criteria provided, conflicting classifications (1 of 4 stars). 3 submissions from 3 submitters: Pathogenic (1); Uncertain significance (2). Last evaluated 2025-10-30.

Conditions:
Inborn genetic diseases. Identifiers: MedGen C0950123, MeSH D030342.

Submissions (3):

Ambry Genetics
Classification: Uncertain significance for Inborn genetic diseases. Last evaluated: 2025-10-30. Review status: criteria provided, single submitter. Criteria: Ambry Variant Classification Scheme 2023. Collection method: clinical testing. Allele origin: germline.
Comment: The c.3400G>T (p.G1134*) alteration, located in exon 13 (coding exon 13) of the CDK13 gene, consists of a G to T substitution at nucleotide position 3400. This changes the amino acid from a glycine (G) to a stop codon at amino acid position 1134. Premature stop codons are typically deleterious in nature (Richards, 2015). This region of the CDK13 gene is excluded from biologically relevant transcript isoforms. This variant was not reported in population-based cohorts in the Genome Aggregation Database (gnomAD). This variant was reported in individual(s) with features consistent with CDK13-related neurodevelopmental disorder (external communication). Based on insufficient or conflicting evidence, the clinical significance of this alteration remains unclear.

GeneDx
Classification: Uncertain significance. Last evaluated: 2024-05-15. Review status: criteria provided, single submitter. Criteria: GeneDx Variant Classification Process June 2021. Collection method: clinical testing. Allele origin: germline. Affected: yes.
Comment: Reported in the published literature in a patient with autism; however, detailed clinical and segregation information was not provided (PMID: 34312540); Nonsense variant predicted to result in protein truncation or nonsense mediated decay in a gene or region of a gene for which loss of function is not a well-established mechanism of disease; Not observed at significant frequency in large population cohorts (gnomAD); This variant is associated with the following publications: (PMID: 34312540)

Labcorp Genetics (formerly Invitae), Labcorp
Classification: Pathogenic. Last evaluated: 2024-02-23. Review status: criteria provided, single submitter. Criteria: Invitae Variant Classification Sherloc (09022015). Collection method: clinical testing. Allele origin: germline.
Comment: This sequence change creates a premature translational stop signal (p.Gly1134*) in the CDK13 gene. It is expected to result in an absent or disrupted protein product. Loss-of-function variants in CDK13 are known to be pathogenic (PMID: 27479907, 29021403, 29393965). This variant is not present in population databases (gnomAD no frequency). This variant has not been reported in the literature in individuals affected with CDK13-related conditions. Algorithms developed to predict the effect of sequence changes on RNA splicing suggest that this variant may disrupt the consensus splice site. For these reasons, this variant has been classified as Pathogenic.

Literature cited by the submitters: PubMed 27479907 (cited by Labcorp Genetics (formerly Invitae), Labcorp); PubMed 29021403 (cited by Labcorp Genetics (formerly Invitae), Labcorp); PubMed 29393965 (cited by Labcorp Genetics (formerly Invitae), Labcorp).

NM_003718.5(CDK13):c.3400G>T (p.Gly1134Ter)

Gene: CDK13 (cyclin dependent kinase 13; plus strand). Cytogenetic location: 7p14.1.
Variant type: single nucleotide variant.
Coding change: c.3400G>T on transcript NM_003718.5 (MANE Select); coding-DNA position 3400, G replaced by T.
Protein change: p.Gly1134Ter; replaces glycine 1134 with a stop codon.
Molecular consequence: nonsense. On other transcripts: intron variant (1).
Genome position (GRCh38, 1-based): chr7:40,092,949, G>T. VCF-style: chr7-40092949-G-T. GRCh37 (hg19) VCF-style: chr7-40132548-G-T.
Other names: c.3236-16G>T (NM_031267.3); short protein forms G1134*.
Identifiers: ClinVar variation 2779020 (VCV002779020.5), dbSNP rs1786959370, ClinGen allele CA367294827.
Genomic context (GRCh38, chr7:40,092,949, plus strand): 5'-TTGAACATTAAGGTAAACTCTGAGACTCAACAGCAGCTAAATAAAATAAACCTTCCTGCT[G>T]GAATTTTGGCAACAGGTGAAAAACAGACAGATCCATCAACACCACAACAGGAGTCTTCGA-3'